The following is an entry in ClinVar:

ClinVar aggregate classification (germline): Uncertain significance (1 of 4 stars; one submission).

Allele frequency attached by ClinVar (database versions not stated): gnomAD 0.00001; TOPMed 0.00001.
gnomAD v4.1: 3 of 1,570,754 alleles (0.00019%); highest among the groups gnomAD compares: South Asian, 0.0012%; no homozygotes.

Submission:

Labcorp Genetics (formerly Invitae), Labcorp
Classification: Uncertain significance. Last evaluated: 2022-07-18. Review status: criteria provided, single submitter. Criteria: Invitae Variant Classification Sherloc (09022015). Collection method: clinical testing. Allele origin: germline.
Comment: This sequence change replaces glycine, which is neutral and non-polar, with serine, which is neutral and polar, at codon 1525 of the LTBP4 protein (p.Gly1525Ser). The frequency data for this variant in the population databases is considered unreliable, as metrics indicate poor data quality at this position in the gnomAD database. This variant has not been reported in the literature in individuals affected with LTBP4-related conditions. Algorithms developed to predict the effect of sequence changes on RNA splicing suggest that this variant may create or strengthen a splice site. In summary, the available evidence is currently insufficient to determine the role of this variant in disease. Therefore, it has been classified as a Variant of Uncertain Significance.

NM_001042545.2(LTBP4):c.4483G>A (p.Gly1495Ser)

Gene: LTBP4 (latent transforming growth factor beta binding protein 4; plus strand). Cytogenetic location: 19q13.2.
Variant type: single nucleotide variant.
Coding change: c.4483G>A on transcript NM_001042545.2 (MANE Select); coding-DNA position 4483, G replaced by A.
Protein change: p.Gly1495Ser; replaces glycine 1495 with serine.
Molecular consequence: missense variant.
Genome position (GRCh38, 1-based): chr19:40,627,821, G>A. VCF-style: chr19-40627821-G-A. GRCh37 (hg19) VCF-style: chr19-41133726-G-A.
Other names: c.4684G>A, p.Gly1562Ser (NM_001042544.1); c.4573G>A, p.Gly1525Ser (NM_003573.2); short protein forms G1562S, G1525S, G1495S.
Identifiers: ClinVar variation 2039717 (VCV002039717.1), dbSNP rs1436976187, ClinGen allele CA405912574.